The following is an entry in ClinVar:

NM_001184.4(ATR):c.2T>C (p.Met1Thr)

Gene: ATR (ATR checkpoint kinase; minus strand). Cytogenetic location: 3q23.
Variant type: single nucleotide variant.
Coding change: c.2T>C on transcript NM_001184.4 (MANE Select); coding-DNA position 2, T replaced by C.
Protein change: p.Met1Thr; changes the start codon (methionine 1).
Molecular consequence: missense variant, initiator codon variant.
Genome position (GRCh38, 1-based): chr3:142,578,703, A>G on the plus strand (T>C on the coding strand, the complement: ATR is on the minus strand). VCF-style: chr3-142578703-A-G. GRCh37 (hg19) VCF-style: chr3-142297545-A-G.
Other names: c.2T>C, p.Met1Thr (NM_001354579.2); short protein forms M1T.
Identifiers: ClinVar variation 1009387 (VCV001009387.9), dbSNP rs1441601124, ClinGen allele CA354795975.

ClinVar aggregate classification (germline): Uncertain significance (1 of 4 stars; one submission).

Allele frequency attached by ClinVar (database versions not stated): gnomAD exomes below 0.00001.

Submission:

Labcorp Genetics (formerly Invitae), Labcorp
Classification: Uncertain significance. Last evaluated: 2022-04-10. Review status: criteria provided, single submitter. Criteria: Invitae Variant Classification Sherloc (09022015). Collection method: clinical testing. Allele origin: germline.
Comment: This sequence change affects the initiator methionine of the ATR mRNA. The next in-frame methionine is located at codon 11. In summary, the available evidence is currently insufficient to determine the role of this variant in disease. Therefore, it has been classified as a Variant of Uncertain Significance. ClinVar contains an entry for this variant (Variation ID: 1009387). This variant has not been reported in the literature in individuals affected with ATR-related conditions. The frequency data for this variant in the population databases is considered unreliable, as metrics indicate poor data quality at this position in the gnomAD database.